The following is an entry in ClinVar:

NM_001040436.3(YARS2):c.535A>C (p.Lys179Gln)

Gene: YARS2 (tyrosyl-tRNA synthetase 2; minus strand). Cytogenetic location: 12p11.21.
Variant type: single nucleotide variant.
Coding change: c.535A>C on transcript NM_001040436.3 (MANE Select); coding-DNA position 535, A replaced by C.
Protein change: p.Lys179Gln; replaces lysine 179 with glutamine.
Molecular consequence: missense variant.
Genome position (GRCh38, 1-based): chr12:32,755,340, T>G on the plus strand (A>C on the coding strand, the complement: YARS2 is on the minus strand). VCF-style: chr12-32755340-T-G. GRCh37 (hg19) VCF-style: chr12-32908274-T-G.
Other names: p.Lys179Gln; short protein forms K179Q.
Identifiers: ClinVar variation 308461 (VCV000308461.22), dbSNP rs147630375, ClinGen allele CA6508154.
Genomic context (GRCh38, chr12:32,755,340, plus strand): 5'-GCAGCGTCCCCATGCGGAAGTGACCCCCCACTGCCGCCAGGAAGTCCACCAGGTGCTGCT[T>G]CTGGTACCAGGCCGAGTTGTCCAGCACAGTGAAGCTGCCCCAGGAGCGCCCATCAGTGAA-3'
Protein context (NP_001035526.1, residues 169-189): TVLDNSAWYQ[Lys179Gln]QHLVDFLAAV

ClinVar aggregate classification (germline): Conflicting classifications of pathogenicity. Review status: criteria provided, conflicting classifications (1 of 4 stars). 5 submissions from 5 submitters: Uncertain significance (4); Likely benign (1). Last evaluated 2026-08-06.

Conditions:
Myopathy, lactic acidosis, and sideroblastic anemia 2 (MLASA2). Identifiers: Orphanet 2598, MedGen C3150802, MONDO:0013307, OMIM 613561.

Allele frequency attached by ClinVar (database versions not stated): 1000 Genomes Project 30x 0.00016; 1000 Genomes Project 0.00020; ESP Exome Variant Server 0.00038; gnomAD 0.00047; TOPMed 0.00048; ExAC 0.00055; gnomAD exomes 0.00055 and 0.00104.
gnomAD v4.1: 1,559 of 1,614,136 alleles (0.097%); highest among the groups gnomAD compares: South Asian, 0.12%; 1 homozygote.

Submissions (5):

GeneDx
Classification: Uncertain significance. Last evaluated: 2026-08-06. Review status: criteria provided, single submitter. Criteria: GeneDx Variant Classification Process June 2021. Collection method: clinical testing. Allele origin: germline.
Comment: In silico analysis suggests that this missense variant does not alter protein structure/function; Has not been previously published as pathogenic or benign to our knowledge

Labcorp Genetics (formerly Invitae), Labcorp
Classification: Likely benign. Last evaluated: 2026-01-20. Review status: criteria provided, single submitter. Criteria: Invitae Variant Classification Sherloc (09022015). Collection method: clinical testing. Allele origin: germline.

Mayo Clinic Laboratories, Mayo Clinic
Classification: Uncertain significance. Last evaluated: 2025-10-27. Review status: criteria provided, single submitter. Criteria: ACMG Guidelines, 2015. Collection method: clinical testing. Allele origin: germline. Observed: 4 variant alleles.
Comment: BP4_moderate

Blueprint Genetics
Classification: Uncertain significance. Last evaluated: 2024-10-15. Review status: criteria provided, single submitter. Criteria: ACMG Guidelines, 2015. Collection method: clinical testing. Allele origin: germline.

Illumina Laboratory Services, Illumina
Classification: Uncertain significance for Myopathy, lactic acidosis, and sideroblastic anemia 2. Last evaluated: 2018-01-13. Review status: criteria provided, single submitter. Criteria: ICSL Variant Classification Criteria 13 December 2019. Collection method: clinical testing. Allele origin: germline.